The following is an entry in ClinVar:

NM_001378454.1(ALMS1):c.1A>T (p.Met1Leu)

Gene: ALMS1 (ALMS1 centrosome and basal body associated protein; plus strand). Cytogenetic location: 2p13.1.
Variant type: single nucleotide variant.
Coding change: c.1A>T on transcript NM_001378454.1 (MANE Select); coding-DNA position 1, A replaced by T.
Protein change: p.Met1Leu; changes the start codon (methionine 1).
Molecular consequence: missense variant, initiator codon variant.
Genome position (GRCh38, 1-based): chr2:73,385,869, A>T. VCF-style: chr2-73385869-A-T. GRCh37 (hg19) VCF-style: chr2-73612997-A-T.
Other names: c.1A>T, p.Met1Leu (NM_015120.4); short protein forms M1L.
Identifiers: ClinVar variation 4815773 (VCV004815773.2).
Genomic context (GRCh38, chr2:73,385,869, plus strand): 5'-CCCCTTCCCCTCCCTCCCCCCCTCCTCCTCCTCCTCTGCCGCCCAGAGCGAGACACCAAC[A>T]TGGAGCCCGAGGATCTGCCATGGCCGGGCGAGCTGGAGGAGGAGGAGGAGGAGGAGGAGG-3'
Protein context (NP_001365383.1, residues 1-11): [Met1Leu]EPEDLPWPGE

ClinVar aggregate classification (germline): Likely pathogenic (1 of 4 stars; one submission).

Conditions:
Alstrom syndrome (ALMS). Identifiers: Orphanet 64, MedGen C0268425, MONDO:0008763, OMIM 203800.

Submission:

Natera, Inc.
Classification: Likely pathogenic for Alstrom syndrome. Last evaluated: 2025-12-22. Review status: criteria provided, single submitter. Criteria: Natera Variant Classification Schema (03/2026). Collection method: clinical testing. Allele origin: germline.
Comment: The c.1A>T variant in ALMS1 is predicted to result in start loss due to disruption of the initiator methionine. This variant is expected to result in nonsense mediated decay, truncation, or a dysfunctional protein product. This variant is rare in the general population with a frequency below the threshold expected for the associated phenotype(s). Given the available evidence, this variant is classified as Likely Pathogenic.